The following is an entry in ClinVar:

NM_017934.7(PHIP):c.3205+8A>G

Genes: IRAK1BP1 (interleukin 1 receptor associated kinase 1 binding protein 1; plus strand), PHIP (PHIP subunit of CUL4-Ring ligase complex; minus strand). Cytogenetic location: 6q14.1.
Variant type: single nucleotide variant.
Coding change: c.3205+8A>G on transcript NM_017934.7 (MANE Select); 8 bases into the intron after coding-DNA position 3205, A replaced by G.
Molecular consequence: intron variant.
Genome position (GRCh38, 1-based): chr6:78,969,827, T>C on the plus strand (A>G on the coding strand, the complement: PHIP is on the minus strand). VCF-style: chr6-78969827-T-C. GRCh37 (hg19) VCF-style: chr6-79679544-T-C.
Identifiers: ClinVar variation 3353831 (VCV003353831.1).

ClinVar aggregate classification (germline): Likely benign (0 of 4 stars; one submission).

Conditions:
PHIP-related disorder. Also called: PHIP-related condition; PHIP-related disorders.

gnomAD v4.1: 38 of 1,390,260 alleles (0.0027%); highest among the groups gnomAD compares: Middle Eastern, 0.036%; 1 homozygote.

Submission:

PreventionGenetics, part of Exact Sciences
Classification: Likely benign for PHIP-related condition. Last evaluated: 2022-05-06. Review status: no assertion criteria provided. Collection method: clinical testing. Allele origin: germline.
Comment: This variant is classified as likely benign based on ACMG/AMP sequence variant interpretation guidelines (Richards et al. 2015 PMID: 25741868, with internal and published modifications).